The following is an entry in ClinVar:

NM_130839.5(UBE3A):c.1828A>G (p.Thr610Ala)

Genes: SNHG14 (small nucleolar RNA host gene 14; plus strand), UBE3A (ubiquitin protein ligase E3A; minus strand). Cytogenetic location: 15q11.2.
Variant type: single nucleotide variant.
Coding change: c.1828A>G on transcript NM_130839.5 (MANE Select); coding-DNA position 1828, A replaced by G.
Protein change: p.Thr610Ala; replaces threonine 610 with alanine.
Molecular consequence: missense variant. On other transcripts: non-coding transcript variant (1).
Genome position (GRCh38, 1-based): chr15:25,356,822, T>C on the plus strand (A>G on the coding strand, the complement: UBE3A is on the minus strand). VCF-style: chr15-25356822-T-C. GRCh37 (hg19) VCF-style: chr15-25601969-T-C.
Other names: c.1768A>G, p.Thr590Ala (NM_001354542.2, NM_001354543.2, NM_001354544.2 and 17 more transcripts); c.1828A>G, p.Thr610Ala (NM_001354545.2, NM_001354505.1, NM_001354538.2); c.1651A>G, p.Thr551Ala (NM_001354546.2); c.577A>G, p.Thr193Ala (NM_001354550.2); c.517A>G, p.Thr173Ala (NM_001354551.2); c.1837A>G, p.Thr613Ala (NM_000462.5); short protein forms T193A, T610A, T613A, T590A, T173A, T551A.
Identifiers: ClinVar variation 3652184 (VCV003652184.2).
Genomic context (GRCh38, chr15:25,356,822, plus strand): 5'-AATGTACATCCAGTATACAGTTATTGTAAATAGCCAGACCCAGTACTATGCCAATCAGAG[T>C]AAACTGACCCTCAGTTTCAAAAGAAGATGGATTAAACCAAAACAATTTTGTAGATTCATC-3'
Protein context (NP_570854.1, residues 600-620): PSSFETEGQF[Thr610Ala]LIGIVLGLAI

ClinVar aggregate classification (germline): Uncertain significance (1 of 4 stars; one submission).

Conditions:
Angelman syndrome (AS). Also called: HAPPY PUPPET SYNDROME. Identifiers: Orphanet 72, MedGen C0162635, MONDO:0007113, OMIM 105830. Disease mechanism: loss of function. Inheritance: AS is caused by disruption of maternally imprinted UBE3A located within the 15q11.2-q13 Angelman syndrome/Prader-Willi syndrome (AS/PWS) region., imprinting disorder.

gnomAD v4.1: 1 of 1,613,664 alleles (0.000062%); highest among the groups gnomAD compares: Non-Finnish European, 0.000085%; no homozygotes.

Submission:

Labcorp Genetics (formerly Invitae), Labcorp
Classification: Uncertain significance for Angelman syndrome. Last evaluated: 2024-05-24. Review status: criteria provided, single submitter. Criteria: Invitae Variant Classification Sherloc (09022015). Collection method: clinical testing. Allele origin: germline.
Comment: This sequence change replaces threonine, which is neutral and polar, with alanine, which is neutral and non-polar, at codon 590 of the UBE3A protein (p.Thr590Ala). This variant is not present in population databases (gnomAD no frequency). This variant has not been reported in the literature in individuals affected with UBE3A-related conditions. Advanced modeling of protein sequence and biophysical properties (such as structural, functional, and spatial information, amino acid conservation, physicochemical variation, residue mobility, and thermodynamic stability) performed at Invitae indicates that this missense variant is expected to disrupt UBE3A protein function with a positive predictive value of 95%. In summary, the available evidence is currently insufficient to determine the role of this variant in disease. Therefore, it has been classified as a Variant of Uncertain Significance.